The following is an entry in ClinVar:

NM_014915.3(ANKRD26):c.809C>T (p.Thr270Ile)

Gene: ANKRD26 (ankyrin repeat domain containing 26; minus strand). Cytogenetic location: 10p12.1.
Variant type: single nucleotide variant.
Coding change: c.809C>T on transcript NM_014915.3 (MANE Select); coding-DNA position 809, C replaced by T.
Protein change: p.Thr270Ile; replaces threonine 270 with isoleucine.
Molecular consequence: missense variant.
Genome position (GRCh38, 1-based): chr10:27,079,093, G>A on the plus strand (C>T on the coding strand, the complement: ANKRD26 is on the minus strand). VCF-style: chr10-27079093-G-A. GRCh37 (hg19) VCF-style: chr10-27368022-G-A.
Other names: c.809C>T, p.Thr270Ile (NM_001256053.2); short protein forms T270I.
Identifiers: ClinVar variation 3253201 (VCV003253201.1), dbSNP rs1564420580.

ClinVar aggregate classification (germline): Uncertain significance (1 of 4 stars; one submission).

Submission:

GeneDx
Classification: Uncertain significance. Last evaluated: 2023-06-08. Review status: criteria provided, single submitter. Criteria: GeneDx Variant Classification Process June 2021. Collection method: clinical testing. Allele origin: germline. Affected: yes.
Comment: Not observed at significant frequency in large population cohorts (gnomAD); In silico analysis supports that this missense variant has a deleterious effect on protein structure/function; Has not been previously published as pathogenic or benign to our knowledge